The following is an entry in ClinVar:

ClinVar aggregate classification (germline): Uncertain significance (1 of 4 stars; one submission).

Conditions:
Primary ciliary dyskinesia. Also called: Ciliary dyskinesia. Identifiers: Orphanet 244, MedGen C0008780, MONDO:0016575, HP:0012265.

Allele frequency attached by ClinVar (database versions not stated): gnomAD exomes 0.00001; TOPMed 0.00001; gnomAD 0.00003.
gnomAD v4.1: 27 of 1,551,366 alleles (0.0017%); highest among the groups gnomAD compares: East Asian, 0.0073%; no homozygotes.

Submission:

Labcorp Genetics (formerly Invitae), Labcorp
Classification: Uncertain significance for Primary ciliary dyskinesia. Last evaluated: 2024-11-13. Review status: criteria provided, single submitter. Criteria: Invitae Variant Classification Sherloc (09022015). Collection method: clinical testing. Allele origin: germline.
Comment: This sequence change replaces aspartic acid, which is acidic and polar, with asparagine, which is neutral and polar, at codon 32 of the CCDC114 protein (p.Asp32Asn). This variant is present in population databases (no rsID available, gnomAD 0.004%). This variant has not been reported in the literature in individuals affected with CCDC114-related conditions. ClinVar contains an entry for this variant (Variation ID: 1950878). An algorithm developed to predict the effect of missense changes on protein structure and function outputs the following: PolyPhen-2: "Benign". The asparagine amino acid residue is found in multiple mammalian species, which suggests that this missense change does not adversely affect protein function. In summary, the available evidence is currently insufficient to determine the role of this variant in disease. Therefore, it has been classified as a Variant of Uncertain Significance.

NM_001364171.2(ODAD1):c.205G>A (p.Asp69Asn)

Gene: ODAD1 (outer dynein arm docking complex subunit 1; minus strand). Cytogenetic location: 19q13.33.
Variant type: single nucleotide variant.
Coding change: c.205G>A on transcript NM_001364171.2 (MANE Select); coding-DNA position 205, G replaced by A.
Protein change: p.Asp69Asn; replaces aspartic acid 69 with asparagine.
Molecular consequence: missense variant.
Genome position (GRCh38, 1-based): chr19:48,318,542, C>T on the plus strand (G>A on the coding strand, the complement: ODAD1 is on the minus strand). VCF-style: chr19-48318542-C-T. GRCh37 (hg19) VCF-style: chr19-48821799-C-T.
Other names: c.94G>A, p.Asp32Asn (NM_144577.4); short protein forms D32N, D69N.
Identifiers: ClinVar variation 1950878 (VCV001950878.4), dbSNP rs1342144946, ClinGen allele CA406666376.
Genomic context (GRCh38, chr19:48,318,542, plus strand): 5'-GCTGACTGTCCCGAAGCCGCTTGACCTGGTTCTGGGCTGCGCTGATCTGCACCTGGAGAT[C>T]GCCCCGTACCTCCTCCAAGCGCCGGATCTCCTCACTACCCAGGCAGGGAGGTGGAAGAGG-3'
Protein context (NP_001351100.1, residues 59-79): EIRRLEEVRG[Asp69Asn]LQVQISAAQN